The following is an entry in ClinVar:

NM_003737.4(DCHS1):c.3206T>A (p.Ile1069Lys)

Gene: DCHS1 (dachsous cadherin-related 1; minus strand). Cytogenetic location: 11p15.4.
Variant type: single nucleotide variant.
Coding change: c.3206T>A on transcript NM_003737.4 (MANE Select); coding-DNA position 3206, T replaced by A.
Protein change: p.Ile1069Lys; replaces isoleucine 1069 with lysine.
Molecular consequence: missense variant.
Genome position (GRCh38, 1-based): chr11:6,632,306, A>T on the plus strand (T>A on the coding strand, the complement: DCHS1 is on the minus strand). VCF-style: chr11-6632306-A-T. GRCh37 (hg19) VCF-style: chr11-6653537-A-T.
Other names: c.3206T>A (NM_003737.3); short protein forms I1069K.
Identifiers: ClinVar variation 2189434 (VCV002189434.5), dbSNP rs781312935, ClinGen allele CA5860585.
Genomic context (GRCh38, chr11:6,632,306, plus strand): 5'-GCTGTGCCTGTCTGCTGCCCCAACTCAGCTTTGGACCCAGACACTGCCATTACCTTCAGT[A>T]TGTACAATTCCTGGGCCTCACGGTCTAGTGCTGCCCGCACCCATAGCCACCCACTCTGTG-3'
Protein context (NP_003728.1, residues 1059-1079): ALDREAQELY[Ile1069Lys]LKVMAVSGSK

ClinVar aggregate classification (germline): Uncertain significance. Review status: criteria provided, multiple submitters, no conflicts (2 of 4 stars). 2 submissions from 2 submitters: Uncertain significance (2). Last evaluated 2025-11-18.

Conditions:
DCHS1-related disorder. Also called: DCHS1-related condition.

Allele frequency attached by ClinVar (database versions not stated): gnomAD 0.00004; ExAC 0.00006; gnomAD exomes 0.00006; TOPMed 0.00006.
gnomAD v4.1: 88 of 1,613,802 alleles (0.0055%); highest among the groups gnomAD compares: Non-Finnish European, 0.0073%; no homozygotes.

Submissions (2):

Labcorp Genetics (formerly Invitae), Labcorp
Classification: Uncertain significance. Last evaluated: 2025-11-18. Review status: criteria provided, single submitter. Criteria: Invitae Variant Classification Sherloc (09022015). Collection method: clinical testing. Allele origin: germline.
Comment: This sequence change replaces isoleucine, which is neutral and non-polar, with lysine, which is basic and polar, at codon 1069 of the DCHS1 protein (p.Ile1069Lys). This variant is present in population databases (rs781312935, gnomAD 0.009%). This variant has not been reported in the literature in individuals affected with DCHS1-related conditions. ClinVar contains an entry for this variant (Variation ID: 2189434). Invitae Evidence Modeling of protein sequence and biophysical properties (such as structural, functional, and spatial information, amino acid conservation, physicochemical variation, residue mobility, and thermodynamic stability) indicates that this missense variant is not expected to disrupt DCHS1 protein function with a negative predictive value of 80%. In summary, the available evidence is currently insufficient to determine the role of this variant in disease. Therefore, it has been classified as a Variant of Uncertain Significance.

PreventionGenetics, part of Exact Sciences
Classification: Uncertain significance for DCHS1-related condition. Last evaluated: 2025-09-19. Review status: criteria provided, single submitter. Criteria: ACMG Guidelines, 2015. Collection method: clinical testing. Allele origin: germline.
Comment: The DCHS1 c.3206T>A variant is predicted to result in the amino acid substitution p.Ile1069Lys. This variant was reported in a patient with mitral valve prolapse (Uphoff et al. 2022. PubMed ID: 35813742). This variant is reported in 0.0085% of alleles in individuals of European (Non-Finnish) descent in gnomAD. At this time, the clinical significance of this variant is uncertain due to the absence of conclusive functional and genetic evidence.